The following is an entry in ClinVar:

ClinVar aggregate classification (germline): Uncertain significance (1 of 4 stars; one submission).

Conditions:
POLD1-related polyposis and colorectal cancer syndrome (CRCS10). Also called: Colorectal cancer 10; COLORECTAL CANCER, SUSCEPTIBILITY TO, ON CHROMOSOME 19q; Colorectal cancer, susceptibility to, 10. Identifiers: Orphanet 220460, MedGen C2675481, MONDO:0012953, OMIM 612591.

Submission:

Labcorp Genetics (formerly Invitae), Labcorp
Classification: Uncertain significance for POLD1-related polyposis and colorectal cancer syndrome. Last evaluated: 2021-01-10. Review status: criteria provided, single submitter. Criteria: Invitae Variant Classification Sherloc (09022015). Collection method: clinical testing. Allele origin: germline.
Comment: Missense variants that disrupt the 3'-5' exonuclease (proof-reading) activity of the POLD1 protein, while not abolishing its polymerase enzyme activity, are associated with an increased risk for colonic adenomatous polyps and colon cancer (PMID: 23263490, 23447401). Loss-of-function truncating variants, which result in an absent or severely disrupted POLD1 protein, are therefore unlikely to be associated with disease. Without further clinical and genetic evidence, however, this variant has been classified as a Variant of Uncertain Significance. This variant has not been reported in the literature in individuals with POLD1-related conditions. This variant is not present in population databases (ExAC no frequency). This sequence change creates a premature translational stop signal (p.Val840Trpfs*48) in the POLD1 gene. It is expected to result in an absent or disrupted protein product.

Literature cited by the submitters: PubMed 23263490; PubMed 23447401.

NM_002691.4(POLD1):c.2518del (p.Val840fs)

Gene: POLD1 (DNA polymerase delta 1, catalytic subunit; plus strand). Cytogenetic location: 19q13.33.
Variant type: Deletion.
Coding change: c.2518del on transcript NM_002691.4 (MANE Select); coding-DNA position 2518, one base deleted (G; older notation c.2518delG).
Protein change: p.Val840fs; shifts the reading frame from valine 840.
Molecular consequence: frameshift variant. On other transcripts: non-coding transcript variant (1).
Genome position (GRCh38, 1-based): chr19:50,414,944, G deleted. VCF-style (leftmost placement, unchanged base first): chr19-50414943-CG-C. GRCh37 (hg19) VCF-style: chr19-50918200-CG-C.
Other names: c.2518del, p.Val840fs (NM_001256849.1); c.2596del, p.Val866fs (NM_001308632.1); short protein forms V840fs, V866fs.
Identifiers: ClinVar variation 854414 (VCV000854414.9), dbSNP rs2039221586, ClinGen allele CA916082479.